The following is an entry in ClinVar:

NM_000441.2(SLC26A4):c.-3-2A>T

Genes: SLC26A4 (solute carrier family 26 member 4; plus strand), SLC26A4-AS1 (SLC26A4 antisense RNA 1; minus strand). Cytogenetic location: 7q22.3.
Variant type: single nucleotide variant.
Coding change: c.-3-2A>T on transcript NM_000441.2 (MANE Select); the canonical splice acceptor site of the intron before 3 bases upstream of the start codon, A replaced by T.
Molecular consequence: splice acceptor variant. On other transcripts: non-coding transcript variant (1).
Genome position (GRCh38, 1-based): chr7:107,661,637, A>T. VCF-style: chr7-107661637-A-T. GRCh37 (hg19) VCF-style: chr7-107302082-A-T.
Identifiers: ClinVar variation 3601772 (VCV003601772.1).

ClinVar aggregate classification (germline): Pathogenic (1 of 4 stars; one submission).

Conditions:
Autosomal recessive nonsyndromic hearing loss 4 (DFNB4). Also called: Deafness, autosomal recessive 4; FOXI1-Related Pendred Syndrome; KCNJ10-Related Pendred Syndrome; DEAFNESS, AUTOSOMAL RECESSIVE 4, WITH ENLARGED VESTIBULAR AQUEDUCT, DIGENIC; NEUROSENSORY NONSYNDROMIC RECESSIVE DEAFNESS 4; Nonsyndromic enlarged vestibular aqueduct (NSEVA). Identifiers: Orphanet 90636, MedGen C3538946, MONDO:0010933, OMIM 600791.

Submission:

Institute of Rare Diseases, West China Hospital, Sichuan University
Classification: Pathogenic for Autosomal recessive nonsyndromic hearing loss 4. Last evaluated: 2025-01-09. Review status: criteria provided, single submitter. Criteria: ClinGen HL ACMG Specifications v1. Collection method: research. Allele origin: germline. Affected: yes.
Comment: PVS1;PM3;PP4;PP1;PM2_Supporting